The following is an entry in ClinVar:

ClinVar aggregate classification (germline): Uncertain significance (1 of 4 stars; one submission).

Submission:

Labcorp Genetics (formerly Invitae), Labcorp
Classification: Uncertain significance. Last evaluated: 2022-07-12. Review status: criteria provided, single submitter. Criteria: Invitae Variant Classification Sherloc (09022015). Collection method: clinical testing. Allele origin: germline.
Comment: In summary, the available evidence is currently insufficient to determine the role of this variant in disease. Therefore, it has been classified as a Variant of Uncertain Significance. Algorithms developed to predict the effect of sequence changes on RNA splicing suggest that this variant may disrupt the consensus splice site. Algorithms developed to predict the effect of missense changes on protein structure and function are either unavailable or do not agree on the potential impact of this missense change (SIFT: "Not Available"; PolyPhen-2: "Possibly Damaging"; Align-GVGD: "Not Available"). ClinVar contains an entry for this variant (Variation ID: 1369653). This variant has not been reported in the literature in individuals affected with POC5-related conditions. This variant is not present in population databases (gnomAD no frequency). This sequence change replaces glutamic acid with glycine at codon 6 of the POC5 protein (p.Glu6Gly). There is a moderate physicochemical difference between glutamic acid and glycine.

NM_001099271.2(POC5):c.17A>G (p.Glu6Gly)

Gene: POC5 (POC5 centriolar protein; minus strand). Cytogenetic location: 5q13.3.
Variant type: single nucleotide variant.
Coding change: c.17A>G on transcript NM_001099271.2 (MANE Select); coding-DNA position 17, A replaced by G.
Protein change: p.Glu6Gly; replaces glutamic acid 6 with glycine.
Molecular consequence: missense variant.
Genome position (GRCh38, 1-based): chr5:75,712,921, T>C on the plus strand (A>G on the coding strand, the complement: POC5 is on the minus strand). VCF-style: chr5-75712921-T-C. GRCh37 (hg19) VCF-style: chr5-75008746-T-C.
Other names: short protein forms E6G.
Identifiers: ClinVar variation 1369653 (VCV001369653.6), dbSNP rs2112218076, ClinGen allele CA360151894.
Genomic context (GRCh38, chr5:75,712,921, plus strand): 5'-TTCGAAGAGACAGAACTGCCTCGACTGGAGTCATTTTGCACAACTGGAAGTGAGTATTTC[T>C]CCTCATCTGATGACATTCTGCACAAATGCTCTAAAACAGTAGAAGCTAACTTTAGCTTTT-3'
Protein context (NP_001092741.1, residues 1-16): MSSDE[Glu6Gly]KYSLPVVQND